The following is an entry in ClinVar:

ClinVar aggregate classification (germline): Likely benign (1 of 4 stars; one submission).

Allele frequency attached by ClinVar (database versions not stated): TOPMed below 0.00001; gnomAD exomes 0.00001; ExAC 0.00002.

Submission:

GeneDx
Classification: Likely benign. Last evaluated: 2014-04-08. Review status: criteria provided, single submitter. Criteria: GeneDx Variant Classification (06012015). Collection method: clinical testing. Allele origin: germline. Affected: yes.
Comment: This variant is considered likely benign or benign based on one or more of the following criteria: it is a conservative change, it occurs at a poorly conserved position in the protein, it is predicted to be benign by multiple in silico algorithms, and/or has population frequency not consistent with disease.

NM_005262.3(GFER):c.514C>A (p.His172Asn)

Gene: GFER (growth factor, augmenter of liver regeneration; plus strand). Cytogenetic location: 16p13.3.
Variant type: single nucleotide variant.
Coding change: c.514C>A on transcript NM_005262.3 (MANE Select); coding-DNA position 514, C replaced by A.
Protein change: p.His172Asn; replaces histidine 172 with asparagine.
Molecular consequence: missense variant.
Genome position (GRCh38, 1-based): chr16:1,985,924, C>A. VCF-style: chr16-1985924-C-A. GRCh37 (hg19) VCF-style: chr16-2035925-C-A.
Other names: p.H172N:CAC>AAC; short protein forms H172N.
Identifiers: ClinVar variation 214467 (VCV000214467.1), dbSNP rs758350837, ClinGen allele CA322208.